The following is an entry in ClinVar:

ClinVar aggregate classification (germline): Uncertain significance. Review status: criteria provided, multiple submitters, no conflicts (2 of 4 stars). 2 submissions from 2 submitters: Uncertain significance (2). Last evaluated 2023-10-30.

Conditions:
Hereditary cancer-predisposing syndrome. Also called: Hereditary neoplastic syndrome; Hereditary Cancer Syndrome; Neoplastic Syndromes, Hereditary; Tumor predisposition. Identifiers: Orphanet 140162, MedGen C0027672, MeSH D009386, MONDO:0015356.

Submissions (2):

Color Diagnostics, LLC DBA Color Health
Classification: Uncertain significance for Hereditary cancer-predisposing syndrome. Last evaluated: 2023-10-30. Review status: criteria provided, single submitter. Criteria: ACMG Guidelines, 2015. Collection method: clinical testing. Allele origin: germline.
Comment: This missense variant replaces arginine with threonine at codon 8 of the BARD1 protein. Computational prediction suggests that this variant may not impact protein structure and function (internally defined REVEL score threshold <= 0.5, PMID: 27666373). To our knowledge, functional studies have not been reported for this variant. This variant has not been reported in individuals affected with BARD1-related disorders in the literature. This variant has not been identified in the general population by the Genome Aggregation Database (gnomAD). The available evidence is insufficient to determine the role of this variant in disease conclusively. Therefore, this variant is classified as a Variant of Uncertain Significance.

GeneDx
Classification: Uncertain significance. Last evaluated: 2023-01-23. Review status: criteria provided, single submitter. Criteria: GeneDx Variant Classification Process June 2021. Collection method: clinical testing. Allele origin: germline. Affected: yes.
Comment: Not observed at significant frequency in large population cohorts (gnomAD); In silico analysis supports that this missense variant does not alter protein structure/function; Has not been previously published as pathogenic or benign to our knowledge

NM_000465.4(BARD1):c.23G>C (p.Arg8Thr)

Gene: BARD1 (BRCA1 associated RING domain 1; minus strand). Cytogenetic location: 2q35.
Variant type: single nucleotide variant.
Coding change: c.23G>C on transcript NM_000465.4 (MANE Select); coding-DNA position 23, G replaced by C.
Protein change: p.Arg8Thr; replaces arginine 8 with threonine.
Molecular consequence: missense variant. On other transcripts: non-coding transcript variant (3).
Genome position (GRCh38, 1-based): chr2:214,809,547, C>G on the plus strand (G>C on the coding strand, the complement: BARD1 is on the minus strand). VCF-style: chr2-214809547-C-G. GRCh37 (hg19) VCF-style: chr2-215674271-C-G.
Other names: c.23G>C, p.Arg8Thr (NM_001282543.2, NM_001282545.2, NM_001282548.2 and 1 more transcripts); short protein forms R8T.
Identifiers: ClinVar variation 2573867 (VCV002573867.3), dbSNP rs1696475444, ClinGen allele CA350465424.